The following is an entry in ClinVar:

ClinVar aggregate classification (germline): Uncertain significance (1 of 4 stars; one submission).

Conditions:
Inborn genetic diseases. Identifiers: MedGen C0950123, MeSH D030342.

Submission:

Ambry Genetics
Classification: Uncertain significance for Inborn genetic diseases. Last evaluated: 2024-08-04. Review status: criteria provided, single submitter. Criteria: Ambry Variant Classification Scheme 2023. Collection method: clinical testing. Allele origin: germline.
Comment: The p.S908T variant (also known as c.2722T>A), located in coding exon 21 of the LRRK2 gene, results from a T to A substitution at nucleotide position 2722. The serine at codon 908 is replaced by threonine, an amino acid with similar properties. This amino acid position is conserved. In addition, this alteration is predicted to be tolerated by in silico analysis. Based on the available evidence, the clinical significance of this variant remains unclear.

NM_198578.4(LRRK2):c.2722T>A (p.Ser908Thr)

Gene: LRRK2 (leucine rich repeat kinase 2; plus strand). Cytogenetic location: 12q12.
Variant type: single nucleotide variant.
Coding change: c.2722T>A on transcript NM_198578.4 (MANE Select); coding-DNA position 2722, T replaced by A.
Protein change: p.Ser908Thr; replaces serine 908 with threonine.
Molecular consequence: missense variant.
Genome position (GRCh38, 1-based): chr12:40,293,577, T>A. VCF-style: chr12-40293577-T-A. GRCh37 (hg19) VCF-style: chr12-40687379-T-A.
Other names: short protein forms S908T.
Identifiers: ClinVar variation 3540605 (VCV003540605.1).